The following is an entry in ClinVar:

ClinVar aggregate classification (germline): Conflicting classifications of pathogenicity. Review status: criteria provided, conflicting classifications (1 of 4 stars). 3 submissions from 3 submitters: Uncertain significance (1); Likely benign (2). Last evaluated 2026-01-12.

Conditions:
Emery-Dreifuss muscular dystrophy 5, autosomal dominant (EDMD5). Also called: EMERY-DREIFUSS MUSCULAR DYSTROPHY 5. Identifiers: Orphanet 261, MedGen C2751805, MONDO:0013072, OMIM 612999.

Allele frequency attached by ClinVar (database versions not stated): gnomAD 0.00005 and 0.00006; gnomAD exomes 0.00007 and 0.00016; TOPMed 0.00008; ExAC 0.00009; ESP Exome Variant Server 0.00015.
gnomAD v4.1: 242 of 1,614,026 alleles (0.015%); highest among the groups gnomAD compares: Non-Finnish European, 0.02%; no homozygotes.

Submissions (3):

Labcorp Genetics (formerly Invitae), Labcorp
Classification: Likely benign for Emery-Dreifuss muscular dystrophy 5, autosomal dominant. Last evaluated: 2026-01-12. Review status: criteria provided, single submitter. Criteria: Invitae Variant Classification Sherloc (09022015). Collection method: clinical testing. Allele origin: germline.

Illumina Laboratory Services, Illumina
Classification: Likely benign for Emery-Dreifuss muscular dystrophy 5, autosomal dominant. Last evaluated: 2018-01-12. Review status: criteria provided, single submitter. Criteria: ICSL Variant Classification Criteria 13 December 2019. Collection method: clinical testing. Allele origin: germline.
Comment: This variant was observed in the ICSL laboratory as part of a predisposition screen in an ostensibly healthy population. It had not been previously curated by ICSL or reported in the Human Gene Mutation Database (HGMD: prior to June 1st, 2018), and was therefore a candidate for classification through an automated scoring system. Utilizing variant allele frequency, disease prevalence and penetrance estimates, and inheritance mode, an automated score was calculated to assess if this variant is too frequent to cause the disease. Based on the score and internal cut-off values, a variant classified as likely benign is not then subjected to further curation. The score for this variant resulted in a classification of likely benign for this disease.

Eurofins Ntd Llc (ga)
Classification: Uncertain significance. Last evaluated: 2015-08-17. Review status: criteria provided, single submitter. Criteria: EGL Classification Definitions 2015. Collection method: clinical testing. Allele origin: germline. Observed: 1 variant allele, 1 heterozygote.

NM_182914.3(SYNE2):c.14088G>A (p.Gly4696=)

Gene: SYNE2 (spectrin repeat containing nuclear envelope protein 2; plus strand). Cytogenetic location: 14q23.2.
Variant type: single nucleotide variant.
Coding change: c.14088G>A on transcript NM_182914.3 (MANE Select); coding-DNA position 14088, G replaced by A.
Protein change: p.Gly4696=; no amino-acid change (glycine 4696 retained).
Molecular consequence: synonymous variant.
Genome position (GRCh38, 1-based): chr14:64,129,850, G>A. VCF-style: chr14-64129850-G-A. GRCh37 (hg19) VCF-style: chr14-64596568-G-A.
Other names: c.14088G>A, p.Gly4696= (NM_015180.6).
Identifiers: ClinVar variation 282510 (VCV000282510.18), dbSNP rs200893674, ClinGen allele CA7222676.